The following is an entry in ClinVar:

NM_001261826.3(AP3D1):c.653A>G (p.Tyr218Cys)

Gene: AP3D1 (adaptor related protein complex 3 subunit delta 1; minus strand). Cytogenetic location: 19p13.3.
Variant type: single nucleotide variant.
Coding change: c.653A>G on transcript NM_001261826.3 (MANE Select); coding-DNA position 653, A replaced by G.
Protein change: p.Tyr218Cys; replaces tyrosine 218 with cysteine.
Molecular consequence: missense variant.
Genome position (GRCh38, 1-based): chr19:2,129,397, T>C on the plus strand (A>G on the coding strand, the complement: AP3D1 is on the minus strand). VCF-style: chr19-2129397-T-C. GRCh37 (hg19) VCF-style: chr19-2129396-T-C.
Other names: c.653A>G, p.Tyr218Cys (NM_001374799.1, NM_003938.8); short protein forms Y218C.
Identifiers: ClinVar variation 1396603 (VCV001396603.6), dbSNP rs776913398, ClinGen allele CA9059627.

ClinVar aggregate classification (germline): Uncertain significance (1 of 4 stars; one submission).

Allele frequency attached by ClinVar (database versions not stated): gnomAD exomes below 0.00001; ExAC 0.00001.

Submission:

Labcorp Genetics (formerly Invitae), Labcorp
Classification: Uncertain significance. Last evaluated: 2022-12-06. Review status: criteria provided, single submitter. Criteria: Invitae Variant Classification Sherloc (09022015). Collection method: clinical testing. Allele origin: germline.
Comment: In summary, the available evidence is currently insufficient to determine the role of this variant in disease. Therefore, it has been classified as a Variant of Uncertain Significance. Algorithms developed to predict the effect of missense changes on protein structure and function (SIFT, PolyPhen-2, Align-GVGD) all suggest that this variant is likely to be disruptive. ClinVar contains an entry for this variant (Variation ID: 1396603). This variant has not been reported in the literature in individuals affected with AP3D1-related conditions. This variant is not present in population databases (gnomAD no frequency). This sequence change replaces tyrosine, which is neutral and polar, with cysteine, which is neutral and slightly polar, at codon 218 of the AP3D1 protein (p.Tyr218Cys).